The following is an entry in ClinVar:

NM_003680.4(YARS1):c.782T>G (p.Leu261Arg)

Genes: YARS1 (tyrosyl-tRNA synthetase 1; minus strand), LOC126805688 (BRD4-independent group 4 enhancer GRCh37_chr1:33251929-33253128; plus strand). Cytogenetic location: 1p35.1.
Variant type: single nucleotide variant.
Coding change: c.782T>G on transcript NM_003680.4 (MANE Select); coding-DNA position 782, T replaced by G.
Protein change: p.Leu261Arg; replaces leucine 261 with arginine.
Molecular consequence: missense variant.
Genome position (GRCh38, 1-based): chr1:32,786,978, A>C on the plus strand (T>G on the coding strand, the complement: YARS1 is on the minus strand). VCF-style: chr1-32786978-A-C. GRCh37 (hg19) VCF-style: chr1-33252579-A-C.
Other names: short protein forms L261R.
Identifiers: ClinVar variation 4978738 (VCV004978738.1).

ClinVar aggregate classification (germline): Likely pathogenic (1 of 4 stars; one submission).

Conditions:
YARS1-related disorder. Also called: YARS1-related condition.

gnomAD v4.1: 2 of 1,614,196 alleles (0.00012%); highest among the groups gnomAD compares: Admixed American, 0.0033%; no homozygotes.

Submission:

PreventionGenetics, part of Exact Sciences
Classification: Likely pathogenic for YARS1-related condition. Last evaluated: 2025-08-08. Review status: criteria provided, single submitter. Criteria: ACMG Guidelines, 2015. Collection method: clinical testing. Allele origin: germline.
Comment: The YARS1 c.782T>G variant is predicted to result in the amino acid substitution p.Leu261Arg. This variant was reported in the compound heterozygous state with another pathogenic missense variant in the YARS1 gene in an individual with multisystem neurologic, endocrine and pancreatic disease and a diagnosis of Klinefelter syndrome (47, XXY) (Kuan et al. 2023. PubMed ID: 38125821). This variant is reported in 0.0058% of alleles in individuals of Latino descent in gnomAD. This variant is interpreted as likely pathogenic.